The following is an entry in ClinVar:

ClinVar aggregate classification (germline): Likely benign (1 of 4 stars; one submission).

Allele frequency attached by ClinVar (database versions not stated): 1000 Genomes Project 0.00379; ExAC 0.00082; ESP Exome Variant Server 0.00118; gnomAD 0.00182; 1000 Genomes Project 30x 0.00312.

Submission:

CeGaT Center for Human Genetics Tuebingen
Classification: Likely benign. Last evaluated: 2023-10-01. Review status: criteria provided, single submitter. Criteria: CeGaT Center For Human Genetics Tuebingen Variant Classification Criteria Version 2. Collection method: clinical testing. Allele origin: germline. Affected: yes. Observed: 2 variant alleles.
Comment: AHNAK2: BP4, BS2

NM_138420.4(AHNAK2):c.5689C>T (p.Pro1897Ser)

Gene: AHNAK2 (AHNAK nucleoprotein 2; minus strand). Cytogenetic location: 14q32.33.
Variant type: single nucleotide variant.
Coding change: c.5689C>T on transcript NM_138420.4 (MANE Select); coding-DNA position 5689, C replaced by T.
Protein change: p.Pro1897Ser; replaces proline 1897 with serine.
Molecular consequence: missense variant.
Genome position (GRCh38, 1-based): chr14:104,949,762, G>A on the plus strand (C>T on the coding strand, the complement: AHNAK2 is on the minus strand). VCF-style: chr14-104949762-G-A. GRCh37 (hg19) VCF-style: chr14-105416099-G-A.
Other names: c.5389C>T, p.Pro1797Ser (NM_001350929.2); short protein forms P1797S, P1897S.
Identifiers: ClinVar variation 2644779 (VCV002644779.24), dbSNP rs200522679, ClinGen allele CA7381567.